The following is an entry in ClinVar:

ClinVar aggregate classification (germline): Uncertain significance (1 of 4 stars; one submission).

Submission:

Women's Health and Genetics/Laboratory Corporation of America, LabCorp
Classification: Uncertain significance. Last evaluated: 2024-09-09. Review status: criteria provided, single submitter. Criteria: LabCorp Variant Classification Summary - May 2015. Collection method: clinical testing. Allele origin: germline.
Comment: Variant summary: The variant involves the duplication of exons 17-35 (includes the last exon) in the PNPLA6 gene. The exact breakpoint at the 3' end of this variant is unknown, therefore this duplication may extend downstream of the annotated region of the gene. As it duplicates the termination codon, its effect on the encoded protein is unknown. A presumed nomenclature of c.(1491+1_1492-1)_(*203_?)dup has been designated for the purposes of this classification. The variant was absent in 21694 control chromosomes (gnomAD Structural variants dataset). The available data on variant occurrences in the general population are insufficient to allow any conclusion about variant significance. To our knowledge, no occurrence of c.(1491+1_1492-1)_(*203_?)dup in individuals affected with PNPLA6-Related Disorders and no experimental evidence demonstrating its impact on protein function have been reported. No submitters have cited clinical-significance assessments for this variant to ClinVar. Based on the evidence outlined above, the variant was classified as uncertain significance.

NC_000019.9:g.(7607971_7614792)_(7626651_?)dup

Gene: PNPLA6 (patatin like phospholipase domain containing 6; plus strand). Cytogenetic location: 19p13.2.
Variant type: Duplication.
Identifiers: ClinVar variation 3374979 (VCV003374979.1).